The following is an entry in ClinVar:

ClinVar aggregate classification (germline): Uncertain significance (1 of 4 stars; one submission).

Allele frequency attached by ClinVar (database versions not stated): TOPMed below 0.00001; gnomAD 0.00001.
gnomAD v4.1: 1 of 1,613,218 alleles (0.000062%); highest among the groups gnomAD compares: African/African-American, 0.0013%; no homozygotes.

Submission:

Labcorp Genetics (formerly Invitae), Labcorp
Classification: Uncertain significance. Last evaluated: 2024-02-24. Review status: criteria provided, single submitter. Criteria: Invitae Variant Classification Sherloc (09022015). Collection method: clinical testing. Allele origin: germline.
Comment: This sequence change replaces proline, which is neutral and non-polar, with histidine, which is basic and polar, at codon 735 of the GLIS3 protein (p.Pro735His). This variant is not present in population databases (gnomAD no frequency). This variant has not been reported in the literature in individuals affected with GLIS3-related conditions. ClinVar contains an entry for this variant (Variation ID: 1403503). An algorithm developed to predict the effect of missense changes on protein structure and function (PolyPhen-2) suggests that this variant is likely to be disruptive. In summary, the available evidence is currently insufficient to determine the role of this variant in disease. Therefore, it has been classified as a Variant of Uncertain Significance.

NM_001042413.2(GLIS3):c.2669C>A (p.Pro890His)

Gene: GLIS3 (GLIS family zinc finger 3; minus strand). Cytogenetic location: 9p24.2.
Variant type: single nucleotide variant.
Coding change: c.2669C>A on transcript NM_001042413.2 (MANE Select); coding-DNA position 2669, C replaced by A.
Protein change: p.Pro890His; replaces proline 890 with histidine.
Molecular consequence: missense variant.
Genome position (GRCh38, 1-based): chr9:3,828,396, G>T on the plus strand (C>A on the coding strand, the complement: GLIS3 is on the minus strand). VCF-style: chr9-3828396-G-T. GRCh37 (hg19) VCF-style: chr9-3828396-G-T.
Other names: c.2204C>A, p.Pro735His (NM_152629.4); short protein forms P735H, P890H.
Identifiers: ClinVar variation 1403503 (VCV001403503.8), dbSNP rs1817846206, ClinGen allele CA372804152.
Genomic context (GRCh38, chr9:3,828,396, plus strand): 5'-AAGGTAGCATCTTCAGCCCCGCTGCGGAGAGACTCCCCAAAGAGGCTCGAGGAACTTGAA[G>T]GTAAATCATACACTGGAAGAGAAAGAACGCAGTTAAGTCAGTAACTCCTGCCCCATGCCA-3'
Protein context (NP_001035878.1, residues 880-900): THSGITVYDL[Pro890His]SSSSSLFGES